The following is an entry in ClinVar:

ClinVar aggregate classification (germline): Uncertain significance (1 of 4 stars; one submission).

Allele frequency attached by ClinVar (database versions not stated): gnomAD exomes below 0.00001.
gnomAD v4.1: 2 of 1,614,132 alleles (0.00012%); highest among the groups gnomAD compares: East Asian, 0.0022%; no homozygotes.

Submission:

Labcorp Genetics (formerly Invitae), Labcorp
Classification: Uncertain significance. Last evaluated: 2025-04-21. Review status: criteria provided, single submitter. Criteria: Invitae Variant Classification Sherloc (09022015). Collection method: clinical testing. Allele origin: germline.
Comment: This sequence change replaces phenylalanine, which is neutral and non-polar, with leucine, which is neutral and non-polar, at codon 467 of the ADGRE2 protein (p.Phe467Leu). This variant is not present in population databases (gnomAD no frequency). This variant has not been reported in the literature in individuals affected with ADGRE2-related conditions. ClinVar contains an entry for this variant (Variation ID: 2975901). An algorithm developed to predict the effect of missense changes on protein structure and function outputs the following: PolyPhen-2: "Benign". The leucine amino acid residue is found in multiple mammalian species, which suggests that this missense change does not adversely affect protein function. In summary, the available evidence is currently insufficient to determine the role of this variant in disease. Therefore, it has been classified as a Variant of Uncertain Significance.

NM_013447.4(ADGRE2):c.1399T>C (p.Phe467Leu)

Gene: ADGRE2 (adhesion G protein-coupled receptor E2; minus strand). Cytogenetic location: 19p13.12.
Variant type: single nucleotide variant.
Coding change: c.1399T>C on transcript NM_013447.4 (MANE Select); coding-DNA position 1399, T replaced by C.
Protein change: p.Phe467Leu; replaces phenylalanine 467 with leucine.
Molecular consequence: missense variant.
Genome position (GRCh38, 1-based): chr19:14,755,671, A>G on the plus strand (T>C on the coding strand, the complement: ADGRE2 is on the minus strand). VCF-style: chr19-14755671-A-G. GRCh37 (hg19) VCF-style: chr19-14866483-A-G.
Other names: c.1399T>C, p.Phe467Leu (NM_001271052.1); c.1252T>C, p.Phe418Leu (NM_152916.2); c.1120T>C, p.Phe374Leu (NM_152917.2); short protein forms F374L, F418L, F467L.
Identifiers: ClinVar variation 2975901 (VCV002975901.3), dbSNP rs2513096256, ClinGen allele CA404455159.